The following is an entry in ClinVar:

NM_004960.4(FUS):c.793T>G (p.Phe265Val)

Gene: FUS (FUS RNA binding protein; plus strand). Cytogenetic location: 16p11.2.
Variant type: single nucleotide variant.
Coding change: c.793T>G on transcript NM_004960.4 (MANE Select); coding-DNA position 793, T replaced by G.
Protein change: p.Phe265Val; replaces phenylalanine 265 with valine.
Molecular consequence: missense variant.
Genome position (GRCh38, 1-based): chr16:31,186,830, T>G. VCF-style: chr16-31186830-T-G. GRCh37 (hg19) VCF-style: chr16-31198151-T-G.
Other names: c.790T>G, p.Phe264Val (NM_001170634.1); c.781T>G, p.Phe261Val (NM_001170937.1); short protein forms F261V, F264V, F265V.
Identifiers: ClinVar variation 3777645 (VCV003777645.1).

ClinVar aggregate classification (germline): Uncertain significance (1 of 4 stars; one submission).

gnomAD v4.1: 4 of 1,614,112 alleles (0.00025%); highest among the groups gnomAD compares: Non-Finnish European, 0.00034%; no homozygotes.

Submission:

GeneDx
Classification: Uncertain significance. Last evaluated: 2024-10-13. Review status: criteria provided, single submitter. Criteria: GeneDx Variant Classification Process June 2021. Collection method: clinical testing. Allele origin: germline. Affected: yes.
Comment: Not observed at significant frequency in large population cohorts (gnomAD); In silico analysis supports that this missense variant has a deleterious effect on protein structure/function; Has not been previously published as pathogenic or benign to our knowledge